The following is an entry in ClinVar:

NM_000061.3(BTK):c.1535T>G (p.Leu512Arg)

Gene: BTK (Bruton tyrosine kinase; minus strand). Cytogenetic location: Xq22.1.
Variant type: single nucleotide variant.
Coding change: c.1535T>G on transcript NM_000061.3 (MANE Select); coding-DNA position 1535, T replaced by G.
Protein change: p.Leu512Arg; replaces leucine 512 with arginine.
Molecular consequence: missense variant. On other transcripts: intron variant (1).
Genome position (GRCh38, 1-based): chrX:101,356,083, A>C on the plus strand (T>G on the coding strand, the complement: BTK is on the minus strand). VCF-style: chrX-101356083-A-C. GRCh37 (hg19) VCF-style: chrX-100611071-A-C.
Other names: c.1637T>G, p.Leu546Arg (NM_001287344.2); c.1039-1389T>G (NM_001287345.2); short protein forms L512R, L546R.
Identifiers: ClinVar variation 2743765 (VCV002743765.3), dbSNP rs2147427255, ClinGen allele CA413923308.

ClinVar aggregate classification (germline): Uncertain significance (1 of 4 stars; one submission).

Conditions:
X-linked agammaglobulinemia with growth hormone deficiency (IGHD3). Also called: HYPOGAMMAGLOBULINEMIA AND ISOLATED GROWTH HORMONE DEFICIENCY, X-LINKED; IGHD III; ISOLATED GROWTH HORMONE DEFICIENCY, TYPE III, WITH AGAMMAGLOBULINEMIA; Isolated growth hormone deficiency type 3; Growth hormone deficiency with hypogammaglobulinemia; AGAMMAGLOBULINEMIA AND ISOLATED GROWTH HORMONE DEFICIENCY, X-LINKED. Identifiers: Orphanet 231692, Orphanet 631, MedGen C0472813, MONDO:0010615, OMIM 307200.

Submission:

Labcorp Genetics (formerly Invitae), Labcorp
Classification: Uncertain significance for X-linked agammaglobulinemia with growth hormone deficiency. Last evaluated: 2023-07-16. Review status: criteria provided, single submitter. Criteria: Invitae Variant Classification Sherloc (09022015). Collection method: clinical testing. Allele origin: germline.
Comment: This sequence change replaces leucine, which is neutral and non-polar, with arginine, which is basic and polar, at codon 512 of the BTK protein (p.Leu512Arg). This variant is not present in population databases (gnomAD no frequency). This missense change has been observed in individual(s) with agammaglobulinemia (Invitae). Advanced modeling of protein sequence and biophysical properties (such as structural, functional, and spatial information, amino acid conservation, physicochemical variation, residue mobility, and thermodynamic stability) performed at Invitae indicates that this missense variant is expected to disrupt BTK protein function. This variant disrupts the p.Leu512 amino acid residue in BTK. Other variant(s) that disrupt this residue have been determined to be pathogenic (PMID: 10612838, 11438999, 15024743; Invitae). This suggests that this residue is clinically significant, and that variants that disrupt this residue are likely to be disease-causing. In summary, the available evidence is currently insufficient to determine the role of this variant in disease. Therefore, it has been classified as a Variant of Uncertain Significance.

Literature cited by the submitters: PubMed 10612838; PubMed 11438999; PubMed 15024743.